The following is an entry in ClinVar:

NM_001378452.1(ITPR1):c.7798A>C (p.Thr2600Pro)

Genes: ITPR1 (inositol 1,4,5-trisphosphate receptor type 1; plus strand), LOC126806590 (MED14-independent group 3 enhancer GRCh37_chr3:4855759-4856958; plus strand). Cytogenetic location: 3p26.1.
Variant type: single nucleotide variant.
Coding change: c.7798A>C on transcript NM_001378452.1 (MANE Select); coding-DNA position 7798, A replaced by C.
Protein change: p.Thr2600Pro; replaces threonine 2600 with proline.
Molecular consequence: missense variant.
Genome position (GRCh38, 1-based): chr3:4,815,149, A>C. VCF-style: chr3-4815149-A-C. GRCh37 (hg19) VCF-style: chr3-4856833-A-C.
Other names: c.7654A>C, p.Thr2552Pro (NM_001099952.4); c.7753A>C, p.Thr2585Pro (NM_001168272.2); c.7609A>C, p.Thr2537Pro (NM_002222.7); c.7753A>C (NM_001168272.1); short protein forms T2537P, T2552P, T2585P, T2600P.
Identifiers: ClinVar variation 1050804 (VCV001050804.3), dbSNP rs2106494596, ClinGen allele CA351649741.

ClinVar aggregate classification (germline): Likely pathogenic. Review status: criteria provided, multiple submitters, no conflicts (2 of 4 stars). 2 submissions from 2 submitters: Likely pathogenic (2). Last evaluated 2021-10-02.

Conditions:
Spinocerebellar ataxia type 29 (SCA29). Also called: Spinocerebellar ataxia 29, congenital nonprogressive; CEREBELLAR ATAXIA, CONGENITAL NONPROGRESSIVE, AUTOSOMAL DOMINANT. Identifiers: Orphanet 208513, MedGen C1861732, MONDO:0007298, OMIM 117360.

Submissions (2):

3billion
Classification: Likely pathogenic for Spinocerebellar ataxia type 29. Last evaluated: 2021-10-02. Review status: criteria provided, single submitter. Criteria: ACMG Guidelines, 2015. Collection method: clinical testing. Allele origin: germline. Affected: yes. Observed: 1 heterozygote.
Comment: The variant was observed as assumed (i.e. paternity and maternity not confirmed) de novoo (3billion dataset, PM6). It is not observed in the gnomAD v2.1.1 dataset (PM2). In silico tool predictions suggest damaging effect of the variant on gene or gene product (REVEL: 0.937, 3Cnet: 0.940, PP3). Patient's phenotype is considered compatible with Spinocerebellar ataxia 29, congenital nonprogressive (3billion dataset, PP4). Therefore, this variant is classified as likley pathogenic according to the recommendation of ACMG/AMP guideline.

Centre for Inherited Metabolic Diseases, Karolinska University Hospital
Classification: Likely pathogenic for Spinocerebellar ataxia type 29. Last evaluated: 2021-04-07. Review status: criteria provided, single submitter. Criteria: ACMG Guidelines, 2015. Collection method: clinical testing. Allele origin: germline. Inheritance: Autosomal recessive inheritance. Affected: yes. Observed: 1 compound heterozygote.